The following is an entry in ClinVar:

NM_025099.6(CTC1):c.470T>C (p.Leu157Pro)

Gene: CTC1 (CST telomere replication complex component 1; minus strand). Cytogenetic location: 17p13.1.
Variant type: single nucleotide variant.
Coding change: c.470T>C on transcript NM_025099.6 (MANE Select); coding-DNA position 470, T replaced by C.
Protein change: p.Leu157Pro; replaces leucine 157 with proline.
Molecular consequence: missense variant. On other transcripts: non-coding transcript variant (1).
Genome position (GRCh38, 1-based): chr17:8,238,208, A>G on the plus strand (T>C on the coding strand, the complement: CTC1 is on the minus strand). VCF-style: chr17-8238208-A-G. GRCh37 (hg19) VCF-style: chr17-8141526-A-G.
Other names: short protein forms L157P.
Identifiers: ClinVar variation 955415 (VCV000955415.6), dbSNP rs747551190, ClinGen allele CA8372621.
Genomic context (GRCh38, chr17:8,238,208, plus strand): 5'-CCTTCCCCTGAGGAATTCCACCTGGCAGGAGGGAGGTAACTCCAACGGGGGAACAGAAAA[A>G]GATGGCCCAACCAAGAAAGGTCCAGGTCTATGAGCTAAGAAAGACCAAGAGCAAGGGTTA-3'
Protein context (NP_079375.3, residues 147-167): IDLDLSWLGH[Leu157Pro]FLFPRWSYLP

ClinVar aggregate classification (germline): Uncertain significance (1 of 4 stars; one submission).

Conditions:
Dyskeratosis congenita. Identifiers: Orphanet 1775, MedGen C0265965, MONDO:0015780.

Allele frequency attached by ClinVar (database versions not stated): gnomAD exomes below 0.00001; TOPMed below 0.00001; ExAC 0.00001.
gnomAD v4.1: 1 of 1,611,178 alleles (0.000062%); highest among the groups gnomAD compares: Admixed American, 0.0017%; no homozygotes.

Submission:

Labcorp Genetics (formerly Invitae), Labcorp
Classification: Uncertain significance for Dyskeratosis congenita. Last evaluated: 2022-08-07. Review status: criteria provided, single submitter. Criteria: Invitae Variant Classification Sherloc (09022015). Collection method: clinical testing. Allele origin: germline.
Comment: This sequence change replaces leucine, which is neutral and non-polar, with proline, which is neutral and non-polar, at codon 157 of the CTC1 protein (p.Leu157Pro). The frequency data for this variant in the population databases is considered unreliable, as metrics indicate poor data quality at this position in the gnomAD database. This variant has not been reported in the literature in individuals affected with CTC1-related conditions. ClinVar contains an entry for this variant (Variation ID: 955415). Algorithms developed to predict the effect of missense changes on protein structure and function are either unavailable or do not agree on the potential impact of this missense change (SIFT: "Deleterious"; PolyPhen-2: "Probably Damaging"; Align-GVGD: "Class C0"). In summary, the available evidence is currently insufficient to determine the role of this variant in disease. Therefore, it has been classified as a Variant of Uncertain Significance.